The following is an entry in ClinVar:

NM_001267550.2(TTN):c.104913C>T (p.Ala34971=)

Genes: TTN-AS1 (TTN antisense RNA 1; plus strand), TTN (titin; minus strand). Cytogenetic location: 2q31.2.
Variant type: single nucleotide variant.
Coding change: c.104913C>T on transcript NM_001267550.2 (MANE Select); coding-DNA position 104913, C replaced by T.
Protein change: p.Ala34971=; no amino-acid change (alanine 34971 retained).
Molecular consequence: synonymous variant.
Genome position (GRCh38, 1-based): chr2:178,531,702, G>A on the plus strand (C>T on the coding strand, the complement: TTN is on the minus strand). VCF-style: chr2-178531702-G-A. GRCh37 (hg19) VCF-style: chr2-179396429-G-A.
Other names: c.99990C>T, p.Ala33330= (NM_001256850.1); c.77718C>T, p.Ala25906= (NM_003319.4); c.97209C>T, p.Ala32403= (NM_133378.4); c.78093C>T, p.Ala26031= (NM_133432.3); c.78294C>T, p.Ala26098= (NM_133437.4).
Identifiers: ClinVar variation 915541 (VCV000915541.14), dbSNP rs780680405, ClinGen allele CA1985336.
Genomic context (GRCh38, chr2:178,531,702, plus strand): 5'-GGTGTAATGAATCTTACTGCTTTCTTGGAGTTCCACACCATTGTGGTACCATTTAACCTC[G>A]GCAGTTGGCTTAGACTGAACATTTAAAATAAAACGTGTATTTTGGCCACATGGTACCCTG-3'
Protein context (NP_001254479.2, residues 34961-34981): FILNVQSKPT[Ala34971=]EVKWYHNGVE

ClinVar aggregate classification (germline): Likely benign. Review status: criteria provided, multiple submitters, no conflicts (2 of 4 stars). 5 submissions from 5 submitters: Likely benign (5). Last evaluated 2026-09-01.

Conditions:
Cardiovascular phenotype. Identifiers: MedGen CN230736.
TTN-related disorder. Also called: TTN-related condition; TTN-related disease; TTN-related disorders.
Dilated cardiomyopathy 1G (CMD1G). Identifiers: Orphanet 154, MedGen C1858763, MONDO:0011400, OMIM 604145.
Autosomal recessive limb-girdle muscular dystrophy type 2J (LGMDR10). Also called: MUSCULAR DYSTROPHY, LIMB-GIRDLE, AUTOSOMAL RECESSIVE 10; Limb-girdle muscular dystrophy, type 2J. Identifiers: Orphanet 140922, MedGen C1837342, MONDO:0012127, OMIM 608807.
Cardiomyopathy (CMYO). Also called: Cardiomyopathies. Identifiers: Orphanet 167848, MedGen C0878544, MONDO:0004994, HP:0001638. Inheritance: Various modes of inheritance.

Allele frequency attached by ClinVar (database versions not stated): TOPMed below 0.00001; ExAC 0.00001; gnomAD 0.00001; gnomAD exomes 0.00001.
gnomAD v4.1: 8 of 1,613,794 alleles (0.0005%); highest among the groups gnomAD compares: African/African-American, 0.0013%; no homozygotes.

Submissions (5):

CeGaT Center for Human Genetics Tuebingen
Classification: Likely benign. Last evaluated: 2026-09-01. Review status: criteria provided, single submitter. Criteria: CeGaT Center For Human Genetics Tuebingen Variant Classification Criteria Version 2. Collection method: clinical testing. Allele origin: germline. Affected: yes. Observed: 1 variant allele.
Comment: TTN: BP4, BP7

PreventionGenetics, part of Exact Sciences
Classification: Likely benign for TTN-related condition. Last evaluated: 2026-06-21. Review status: criteria provided, single submitter. Criteria: ACMG Guidelines, 2015. Collection method: clinical testing. Allele origin: germline.
Comment: This variant is classified as likely benign based on ACMG/AMP sequence variant interpretation guidelines (Richards et al. 2015 PMID: 25741868, with internal and published modifications).

Labcorp Genetics (formerly Invitae), Labcorp
Classification: Likely benign for Dilated cardiomyopathy 1G; Autosomal recessive limb-girdle muscular dystrophy type 2J. Last evaluated: 2025-10-01. Review status: criteria provided, single submitter. Criteria: Invitae Variant Classification Sherloc (09022015). Collection method: clinical testing. Allele origin: germline.

Ambry Genetics
Classification: Likely benign for Cardiovascular phenotype. Last evaluated: 2019-08-16. Review status: criteria provided, single submitter. Criteria: Ambry Variant Classification Scheme 2023. Collection method: clinical testing. Allele origin: germline.

CHEO Genetics Diagnostic Laboratory, Children's Hospital of Eastern Ontario
Classification: Likely benign for Cardiomyopathy. Last evaluated: 2019-01-25. Review status: criteria provided, single submitter. Criteria: ACMG Guidelines, 2015. Collection method: clinical testing. Allele origin: germline.